The following is an entry in ClinVar:

NM_001330723.2(SNX27):c.676T>A (p.Ser226Thr)

Gene: SNX27 (sorting nexin 27; plus strand). Cytogenetic location: 1q21.3.
Variant type: single nucleotide variant.
Coding change: c.676T>A on transcript NM_001330723.2 (MANE Select); coding-DNA position 676, T replaced by A.
Protein change: p.Ser226Thr; replaces serine 226 with threonine.
Molecular consequence: missense variant.
Genome position (GRCh38, 1-based): chr1:151,658,367, T>A. VCF-style: chr1-151658367-T-A. GRCh37 (hg19) VCF-style: chr1-151630843-T-A.
Other names: c.676T>A, p.Ser226Thr (NM_030918.6); short protein forms S226T.
Identifiers: ClinVar variation 462815 (VCV000462815.6), dbSNP rs748735835, ClinGen allele CA1093456.

ClinVar aggregate classification (germline): Uncertain significance (1 of 4 stars; one submission).

Conditions:
Severe myoclonic epilepsy in infancy (DRVT). Also called: Dravet syndrome; Epileptic encephalopathy, early infantile, 6 (Dravet syndrome); SEVERE MYOCLONIC EPILEPSY OF INFANCY; DEVELOPMENTAL AND EPILEPTIC ENCEPHALOPATHY 6A; Severe Myoclonic Epilepsy in Infancy (SMEI). Identifiers: Orphanet 33069, MedGen C0751122, MONDO:0100135, OMIM 607208.

Allele frequency attached by ClinVar (database versions not stated): ExAC 0.00001; gnomAD exomes 0.00001; gnomAD 0.00003 and 0.00004; TOPMed 0.00003.
gnomAD v4.1: 14 of 1,614,022 alleles (0.00087%); highest among the groups gnomAD compares: African/African-American, 0.016%; no homozygotes.

Submission:

Labcorp Genetics (formerly Invitae), Labcorp
Classification: Uncertain significance for Severe myoclonic epilepsy in infancy. Last evaluated: 2022-07-26. Review status: criteria provided, single submitter. Criteria: Invitae Variant Classification Sherloc (09022015). Collection method: clinical testing. Allele origin: germline.
Comment: This sequence change replaces serine, which is neutral and polar, with threonine, which is neutral and polar, at codon 226 of the SNX27 protein (p.Ser226Thr). This variant is present in population databases (rs748735835, gnomAD 0.01%). This variant has not been reported in the literature in individuals affected with SNX27-related conditions. ClinVar contains an entry for this variant (Variation ID: 462815). Algorithms developed to predict the effect of missense changes on protein structure and function are either unavailable or do not agree on the potential impact of this missense change (SIFT: "Deleterious"; PolyPhen-2: "Benign"; Align-GVGD: "Class C55"). In summary, the available evidence is currently insufficient to determine the role of this variant in disease. Therefore, it has been classified as a Variant of Uncertain Significance.